The following is an entry in ClinVar:

NC_000018.9:g.21124907_21124908insCCGCC

Gene: NPC1 (NPC intracellular cholesterol transporter 1; minus strand).
Variant type: Insertion.
Identifiers: ClinVar variation 1607987 (VCV001607987.31), dbSNP rs55809701, ClinGen allele CA777724897.

ClinVar aggregate classification (germline): Likely benign. Review status: criteria provided, multiple submitters, no conflicts (2 of 4 stars). 3 submissions from 3 submitters: Likely benign (3). Last evaluated 2026-06-01.

Conditions:
Niemann-Pick disease, type C1. Also called: NIEMANN-PICK DISEASE, VARIANT TYPE C1; NEUROVISCERAL STORAGE DISEASE WITH VERTICAL SUPRANUCLEAR OPHTHALMOPLEGIA; NIEMANN-PICK DISEASE WITH CHOLESTEROL ESTERIFICATION BLOCK; NIEMANN-PICK DISEASE WITHOUT SPHINGOMYELINASE DEFICIENCY; NIEMANN-PICK DISEASE, CHRONIC NEURONOPATHIC FORM. Identifiers: Orphanet 646, MedGen C3179455, MONDO:0009757, OMIM 257220.

Submissions (3):

CeGaT Center for Human Genetics Tuebingen
Classification: Likely benign. Last evaluated: 2026-06-01. Review status: criteria provided, single submitter. Criteria: CeGaT Center For Human Genetics Tuebingen Variant Classification Criteria Version 2. Collection method: clinical testing. Allele origin: germline. Affected: yes. Observed: 3 variant alleles.
Comment: NPC1: BS2

Labcorp Genetics (formerly Invitae), Labcorp
Classification: Likely benign for Niemann-Pick disease, type C1. Last evaluated: 2026-02-02. Review status: criteria provided, single submitter. Criteria: Invitae Variant Classification Sherloc (09022015). Collection method: clinical testing. Allele origin: germline.

Blueprint Genetics
Classification: Likely benign. Last evaluated: 2024-09-05. Review status: criteria provided, single submitter. Criteria: ACMG Guidelines, 2015. Collection method: clinical testing. Allele origin: germline.